The following is an entry in ClinVar:

ClinVar aggregate classification (germline): Uncertain significance (1 of 4 stars; one submission).

Conditions:
Breast-ovarian cancer, familial, susceptibility to, 2 (BROVCA2). Also called: BRCA2 Hereditary Breast and Ovarian Cancer. Identifiers: Orphanet 145, MedGen C2675520, MONDO:0012933, OMIM 612555. Disease mechanism: loss of function.

Submission:

KCCC/NGS Laboratory, Kuwait Cancer Control Center
Classification: Uncertain significance for Breast-ovarian cancer, familial, susceptibility to, 2. Last evaluated: 2026-07-06. Review status: criteria provided, single submitter. Criteria: ACMG Guidelines, 2015. Collection method: clinical testing. Allele origin: germline. Inheritance: Autosomal dominant inheritance. Affected: yes.
Comment: The p.Leu1763Ile variant in BRCA2 gene (also known as c.5287C>A), located in coding exon 11 of the BRCA2 gene, results from a C to A substitution at nucleotide position 5287. The leucine at codon 1763 is replaced by isoleucine, an amino acid with similar properties. This amino acid position is conserved (PhyloP= -0.03). Extremely low frequency in gnomAD population databases. In addition, this alteration is predicted to be tolerated by in silico analysis. Since supporting evidence is limited at this time, the clinical significance of this alteration remains unclear. Therefore, it has been classified as a Variant of Uncertain Significance.

NM_000059.4(BRCA2):c.5287C>A (p.Leu1763Ile)

Gene: BRCA2 (BRCA2 DNA repair associated; plus strand). Cytogenetic location: 13q13.1.
Variant type: single nucleotide variant.
Coding change: c.5287C>A on transcript NM_000059.4 (MANE Select); coding-DNA position 5287, C replaced by A.
Protein change: p.Leu1763Ile; replaces leucine 1763 with isoleucine.
Molecular consequence: missense variant. On other transcripts: non-coding transcript variant (1), intron variant (2).
Genome position (GRCh38, 1-based): chr13:32,339,642, C>A. VCF-style: chr13-32339642-C-A. GRCh37 (hg19) VCF-style: chr13-32913779-C-A.
Other names: c.5287C>A, p.Leu1763Ile (NM_001406719.1, NM_001406720.1, NM_001432077.1); c.1910-4916C>A (NM_001406721.1); c.425-4916C>A (NM_001406722.1); short protein forms L1763I.
Identifiers: ClinVar variation 4857695 (VCV004857695.1).